The following is an entry in ClinVar:

ClinVar aggregate classification (germline): Uncertain significance. Review status: criteria provided, multiple submitters, no conflicts (2 of 4 stars). 3 submissions from 3 submitters: Uncertain significance (3). Last evaluated 2024-01-09.

Allele frequency attached by ClinVar (database versions not stated): gnomAD exomes 0.00001; TOPMed 0.00001.
gnomAD v4.1: 10 of 1,613,630 alleles (0.00062%); highest among the groups gnomAD compares: East Asian, 0.0045%; no homozygotes.

Submissions (3):

Ambry Genetics
Classification: Uncertain significance. Last evaluated: 2024-01-09. Review status: criteria provided, single submitter. Criteria: Ambry Variant Classification Scheme 2023. Collection method: clinical testing. Allele origin: germline.

Blueprint Genetics
Classification: Uncertain significance. Last evaluated: 2023-06-01. Review status: criteria provided, single submitter. Criteria: ACMG Guidelines, 2015. Collection method: clinical testing. Allele origin: germline.

Labcorp Genetics (formerly Invitae), Labcorp
Classification: Uncertain significance. Last evaluated: 2020-02-29. Review status: criteria provided, single submitter. Criteria: Invitae Variant Classification Sherloc (09022015). Collection method: clinical testing. Allele origin: germline.
Comment: This variant has not been reported in the literature in individuals with SLC7A14-related conditions. This variant is not present in population databases (ExAC no frequency). This sequence change replaces arginine with glutamine at codon 12 of the SLC7A14 protein (p.Arg12Gln). The arginine residue is moderately conserved and there is a small physicochemical difference between arginine and glutamine. Algorithms developed to predict the effect of missense changes on protein structure and function (SIFT, PolyPhen-2, Align-GVGD) all suggest that this variant is likely to be tolerated, but these predictions have not been confirmed by published functional studies and their clinical significance is uncertain. In summary, the available evidence is currently insufficient to determine the role of this variant in disease. Therefore, it has been classified as a Variant of Uncertain Significance. Algorithms developed to predict the effect of sequence changes on RNA splicing suggest that this variant may create or strengthen a splice site, but this prediction has not been confirmed by published transcriptional studies.

NM_020949.3(SLC7A14):c.35G>A (p.Arg12Gln)

Genes: SLC7A14 (solute carrier family 7 member 14; minus strand), SLC7A14-AS1 (SLC7A14 antisense RNA 1; plus strand). Cytogenetic location: 3q26.2.
Variant type: single nucleotide variant.
Coding change: c.35G>A on transcript NM_020949.3 (MANE Select); coding-DNA position 35, G replaced by A.
Protein change: p.Arg12Gln; replaces arginine 12 with glutamine.
Molecular consequence: missense variant.
Genome position (GRCh38, 1-based): chr3:170,526,902, C>T on the plus strand (G>A on the coding strand, the complement: SLC7A14 is on the minus strand). VCF-style: chr3-170526902-C-T. GRCh37 (hg19) VCF-style: chr3-170244691-C-T.
Other names: short protein forms R12Q.
Identifiers: ClinVar variation 962334 (VCV000962334.11), dbSNP rs367547128, ClinGen allele CA88023830.
Genomic context (GRCh38, chr3:170,526,902, plus strand): 5'-ACTGGTTTGGTGCGTAGGATCCTGGAGTGCATTGCATACCAGGCAGCTCCCCACTGCACC[C>T]GCCGGGGGTCCAGCGAGGTGAAGAAGCCACTCATCTTGAGCGATAGGGGATGCAGTGAAG-3'
Protein context (NP_066000.2, residues 2-22): SGFFTSLDPR[Arg12Gln]VQWGAAWYAM